The following is an entry in ClinVar:

NM_001039958.2(MESP2):c.475C>T (p.Pro159Ser)

Gene: MESP2 (mesoderm posterior bHLH transcription factor 2; plus strand). Cytogenetic location: 15q26.1.
Variant type: single nucleotide variant.
Coding change: c.475C>T on transcript NM_001039958.2 (MANE Select); coding-DNA position 475, C replaced by T.
Protein change: p.Pro159Ser; replaces proline 159 with serine.
Molecular consequence: missense variant.
Genome position (GRCh38, 1-based): chr15:89,776,832, C>T. VCF-style: chr15-89776832-C-T. GRCh37 (hg19) VCF-style: chr15-90320063-C-T.
Other names: short protein forms P159S.
Identifiers: ClinVar variation 497706 (VCV000497706.12), dbSNP rs1555439087, ClinGen allele CA393770417.

ClinVar aggregate classification (germline): Uncertain significance. Review status: criteria provided, multiple submitters, no conflicts (2 of 4 stars). 2 submissions from 2 submitters: Uncertain significance (2). Last evaluated 2024-02-17.

Allele frequency attached by ClinVar (database versions not stated): gnomAD 0.00001.

Submissions (2):

Labcorp Genetics (formerly Invitae), Labcorp
Classification: Uncertain significance. Last evaluated: 2024-02-17. Review status: criteria provided, single submitter. Criteria: Invitae Variant Classification Sherloc (09022015). Collection method: clinical testing. Allele origin: germline.
Comment: This sequence change replaces proline, which is neutral and non-polar, with serine, which is neutral and polar, at codon 159 of the MESP2 protein (p.Pro159Ser). This variant is not present in population databases (gnomAD no frequency). This variant has not been reported in the literature in individuals affected with MESP2-related conditions. ClinVar contains an entry for this variant (Variation ID: 497706). Advanced modeling of protein sequence and biophysical properties (such as structural, functional, and spatial information, amino acid conservation, physicochemical variation, residue mobility, and thermodynamic stability) performed at Invitae indicates that this missense variant is not expected to disrupt MESP2 protein function with a negative predictive value of 80%. In summary, the available evidence is currently insufficient to determine the role of this variant in disease. Therefore, it has been classified as a Variant of Uncertain Significance.

Eurofins Ntd Llc (ga)
Classification: Uncertain significance. Last evaluated: 2016-10-11. Review status: criteria provided, single submitter. Criteria: EGL Classification Definitions 2015. Collection method: clinical testing. Allele origin: germline. Observed: 1 variant allele, 1 heterozygote.